The following is an entry in ClinVar:

NM_003320.5(TUB):c.161C>A (p.Thr54Lys)

Gene: TUB (TUB bipartite transcription factor; plus strand). Cytogenetic location: 11p15.4.
Variant type: single nucleotide variant.
Coding change: c.161C>A on transcript NM_003320.5; coding-DNA position 161, C replaced by A.
Protein change: p.Thr54Lys; replaces threonine 54 with lysine.
Molecular consequence: missense variant. On other transcripts: intron variant (4).
Genome position (GRCh38, 1-based): chr11:8,039,650, C>A. VCF-style: chr11-8039650-C-A. GRCh37 (hg19) VCF-style: chr11-8061197-C-A.
Other names: c.56+20292C>A (NM_001440538.1, NM_001440539.1, NM_001440540.1 and 1 more transcripts); short protein forms T54K.
Identifiers: ClinVar variation 1006177 (VCV001006177.9), dbSNP rs537859744, ClinGen allele CA5870849.

ClinVar aggregate classification (germline): Uncertain significance. Review status: criteria provided, multiple submitters, no conflicts (2 of 4 stars). 3 submissions from 3 submitters: Uncertain significance (3). Last evaluated 2026-09-01.

Conditions:
TUB-related disorder. Also called: TUB-related condition.

Allele frequency attached by ClinVar (database versions not stated): gnomAD exomes 0.00006 and 0.00002; 1000 Genomes Project 30x 0.00016; 1000 Genomes Project 0.00020; gnomAD 0.00011; ExAC 0.00020; TOPMed 0.00037.

Submissions (3):

PreventionGenetics, part of Exact Sciences
Classification: Uncertain significance for TUB-related condition. Last evaluated: 2026-09-01. Review status: criteria provided, single submitter. Criteria: ACMG Guidelines, 2015. Collection method: clinical testing. Allele origin: germline.
Comment: The TUB c.161C>A variant is predicted to result in the amino acid substitution p.Thr54Lys. To our knowledge, this variant has not been reported in the literature. This variant is reported in 0.0087% of alleles in individuals of Latino descent in gnomAD. At this time, the clinical significance of this variant is uncertain due to the absence of conclusive functional and genetic evidence.

Blueprint Genetics
Classification: Uncertain significance. Last evaluated: 2024-03-22. Review status: criteria provided, single submitter. Criteria: ACMG Guidelines, 2015. Collection method: clinical testing. Allele origin: germline.

Labcorp Genetics (formerly Invitae), Labcorp
Classification: Uncertain significance. Last evaluated: 2022-10-05. Review status: criteria provided, single submitter. Criteria: Invitae Variant Classification Sherloc (09022015). Collection method: clinical testing. Allele origin: germline.
Comment: This sequence change replaces threonine, which is neutral and polar, with lysine, which is basic and polar, at codon 54 of the TUB protein (p.Thr54Lys). The frequency data for this variant in the population databases is considered unreliable, as metrics indicate poor data quality at this position in the gnomAD database. This variant has not been reported in the literature in individuals affected with TUB-related conditions. ClinVar contains an entry for this variant (Variation ID: 1006177). Algorithms developed to predict the effect of missense changes on protein structure and function (SIFT, PolyPhen-2, Align-GVGD) all suggest that this variant is likely to be tolerated. In summary, the available evidence is currently insufficient to determine the role of this variant in disease. Therefore, it has been classified as a Variant of Uncertain Significance.